The following is an entry in ClinVar:

ClinVar aggregate classification (germline): Uncertain significance (1 of 4 stars; one submission).

gnomAD v4.1: 2 of 1,613,672 alleles (0.00012%); highest among the groups gnomAD compares: South Asian, 0.0011%; no homozygotes.

Submission:

Labcorp Genetics (formerly Invitae), Labcorp
Classification: Uncertain significance. Last evaluated: 2026-01-07. Review status: criteria provided, single submitter. Criteria: Invitae Variant Classification Sherloc (09022015). Collection method: clinical testing. Allele origin: germline.
Comment: This sequence change replaces glycine, which is neutral and non-polar, with valine, which is neutral and non-polar, at codon 329 of the SLC1A2 protein (p.Gly329Val). This variant is present in population databases (rs747003668, gnomAD 0.003%). This variant has not been reported in the literature in individuals affected with SLC1A2-related conditions. Invitae Evidence Modeling of protein sequence and biophysical properties (such as structural, functional, and spatial information, amino acid conservation, physicochemical variation, residue mobility, and thermodynamic stability) indicates that this missense variant is not expected to disrupt SLC1A2 protein function with a negative predictive value of 80%. In summary, the available evidence is currently insufficient to determine the role of this variant in disease. Therefore, it has been classified as a Variant of Uncertain Significance.

NM_004171.4(SLC1A2):c.986G>T (p.Gly329Val)

Gene: SLC1A2 (solute carrier family 1 member 2; minus strand). Cytogenetic location: 11p13.
Variant type: single nucleotide variant.
Coding change: c.986G>T on transcript NM_004171.4 (MANE Select); coding-DNA position 986, G replaced by T.
Protein change: p.Gly329Val; replaces glycine 329 with valine.
Molecular consequence: missense variant. On other transcripts: intron variant (1).
Genome position (GRCh38, 1-based): chr11:35,292,392, C>A on the plus strand (G>T on the coding strand, the complement: SLC1A2 is on the minus strand). VCF-style: chr11-35292392-C-A. GRCh37 (hg19) VCF-style: chr11-35313939-C-A.
Other names: c.959G>T, p.Gly320Val (NM_001195728.3, NM_001252652.2, NM_001439341.1); c.974G>T, p.Gly325Val (NM_001439342.1); c.858-5441G>T (NM_001439343.1); short protein forms G325V, G320V, G329V.
Identifiers: ClinVar variation 4780848 (VCV004780848.1).